The following is an entry in ClinVar:

NM_001101362.3(KBTBD13):c.42C>T (p.Gly14=)

Gene: KBTBD13 (kelch repeat and BTB domain containing 13; plus strand). Cytogenetic location: 15q22.31.
Variant type: single nucleotide variant.
Coding change: c.42C>T on transcript NM_001101362.3 (MANE Select); coding-DNA position 42, C replaced by T.
Protein change: p.Gly14=; no amino-acid change (glycine 14 retained).
Molecular consequence: synonymous variant.
Genome position (GRCh38, 1-based): chr15:65,076,857, C>T. VCF-style: chr15-65076857-C-T. GRCh37 (hg19) VCF-style: chr15-65369195-C-T.
Identifiers: ClinVar variation 4737352 (VCV004737352.1).
Genomic context (GRCh38, chr15:65,076,857, plus strand): 5'-TCCGCCCGGCCAGCTCGCCATGGCACGGGGTCCACAGACCCTGGTGCAGGTGTGGGTGGG[C>T]GGCCAGCTCTTCCAAGCCGACCGCGCCCTGCTGGTGGAGCACTGTGGCTTCTTCCGAGGC-3'
Protein context (NP_001094832.1, residues 4-24): GPQTLVQVWV[Gly14=]GQLFQADRAL

ClinVar aggregate classification (germline): Uncertain significance (1 of 4 stars; one submission).

Conditions:
Nemaline myopathy 6 (NEM6). Also called: Nemaline myopathy 6, autosomal dominant. Identifiers: Orphanet 171439, MedGen C1836472, MONDO:0012237, OMIM 609273.

Submission:

Labcorp Genetics (formerly Invitae), Labcorp
Classification: Uncertain significance for Nemaline myopathy 6. Last evaluated: 2025-05-12. Review status: criteria provided, single submitter. Criteria: Invitae Variant Classification Sherloc (09022015). Collection method: clinical testing. Allele origin: germline.
Comment: This sequence change affects codon 14 of the KBTBD13 mRNA. It is a 'silent' change, meaning that it does not change the encoded amino acid sequence of the KBTBD13 protein. The frequency data for this variant in the population databases is considered unreliable, as metrics indicate poor data quality at this position in the gnomAD database. This variant has not been reported in the literature in individuals affected with KBTBD13-related conditions. In summary, the available evidence is currently insufficient to determine the role of this variant in disease. Therefore, it has been classified as a Variant of Uncertain Significance.